The following is an entry in ClinVar:

NM_000214.3(JAG1):c.1609G>C (p.Gly537Arg)

Gene: JAG1 (jagged canonical Notch ligand 1; minus strand). Cytogenetic location: 20p12.2.
Variant type: single nucleotide variant.
Coding change: c.1609G>C on transcript NM_000214.3 (MANE Select); coding-DNA position 1609, G replaced by C.
Protein change: p.Gly537Arg; replaces glycine 537 with arginine.
Molecular consequence: missense variant.
Genome position (GRCh38, 1-based): chr20:10,648,071, C>G on the plus strand (G>C on the coding strand, the complement: JAG1 is on the minus strand). VCF-style: chr20-10648071-C-G. GRCh37 (hg19) VCF-style: chr20-10628719-C-G.
Other names: c.1609G>C (NM_000214.2); short protein forms G537R.
Identifiers: ClinVar variation 4746334 (VCV004746334.2).

ClinVar aggregate classification (germline): Uncertain significance. Review status: criteria provided, multiple submitters, no conflicts (2 of 4 stars). 2 submissions from 2 submitters: Uncertain significance (2). Last evaluated 2026-08-08.

Conditions:
Alagille syndrome due to a JAG1 point mutation. Also called: HEPATIC DUCTULAR HYPOPLASIA, SYNDROMATIC; Alagille Syndrome 1; JAG1-Related Alagille Syndrome. Identifiers: Orphanet 261619, Orphanet 52, MedGen C1956125, MONDO:0016862, OMIM 118450.
Cardiovascular phenotype. Identifiers: MedGen CN230736.

Submissions (2):

Ambry Genetics
Classification: Uncertain significance for Cardiovascular phenotype. Last evaluated: 2026-08-08. Review status: criteria provided, single submitter. Criteria: Ambry Variant Classification Scheme 2023. Collection method: clinical testing. Allele origin: germline.
Comment: The p.G537R variant (also known as c.1609G>C), located in coding exon 13 of the JAG1 gene, results from a G to C substitution at nucleotide position 1609. The glycine at codon 537 is replaced by arginine, an amino acid with dissimilar properties. This amino acid position is conserved. In addition, this alteration is predicted to be deleterious by in silico analysis. Based on the available evidence, the clinical significance of this variant remains unclear.

Labcorp Genetics (formerly Invitae), Labcorp
Classification: Uncertain significance for Alagille syndrome due to a JAG1 point mutation. Last evaluated: 2025-08-10. Review status: criteria provided, single submitter. Criteria: Invitae Variant Classification Sherloc (09022015). Collection method: clinical testing. Allele origin: germline.
Comment: This sequence change replaces glycine, which is neutral and non-polar, with arginine, which is basic and polar, at codon 537 of the JAG1 protein (p.Gly537Arg). This variant is not present in population databases (gnomAD no frequency). This variant has not been reported in the literature in individuals affected with JAG1-related conditions. Invitae Evidence Modeling of protein sequence and biophysical properties (such as structural, functional, and spatial information, amino acid conservation, physicochemical variation, residue mobility, and thermodynamic stability) indicates that this missense variant is not expected to disrupt JAG1 protein function with a negative predictive value of 80%. In summary, the available evidence is currently insufficient to determine the role of this variant in disease. Therefore, it has been classified as a Variant of Uncertain Significance.